The following is an entry in ClinVar:

NM_000548.5(TSC2):c.5214del (p.Lys1739fs)

Gene: TSC2 (TSC complex subunit 2; plus strand). Cytogenetic location: 16p13.3.
Variant type: Deletion.
Coding change: c.5214del on transcript NM_000548.5 (MANE Select); coding-DNA position 5214, one base deleted (C; older notation c.5214delC).
Protein change: p.Lys1739fs; shifts the reading frame from lysine 1739.
Molecular consequence: frameshift variant.
Genome position (GRCh38, 1-based): chr16:2,088,280, C deleted; the last of 2 consecutive C bases (chr16:2,088,279-2,088,280); deleting either gives the same sequence. VCF-style (leftmost placement, unchanged base first): chr16-2088278-TC-T. GRCh37 (hg19) VCF-style: chr16-2138279-TC-T.
Other names: c.5013del, p.Lys1672fs (NM_001077183.3); c.5145del, p.Lys1716fs (NM_001114382.3); c.4905del, p.Lys1636fs (NM_001318827.2); c.4869del, p.Lys1624fs (NM_001318829.2); c.4482del, p.Lys1495fs (NM_001318831.2); c.5046del, p.Lys1683fs (NM_001318832.2); c.5016del, p.Lys1673fs (NM_001363528.2); c.5082del, p.Lys1695fs (NM_001370404.1); and 2 more; short protein forms K1636fs, K1692fs, K1696fs, K1739fs, K1624fs, K1673fs, K1672fs, K1683fs.
Identifiers: ClinVar variation 419391 (VCV000419391.6), dbSNP rs397515139, ClinGen allele CA16620105.
Genomic context (GRCh38, chr16:2,088,278, plus strand): 5'-CGTCCCCAGATGGCCTCACAGGTGCATCATAGCCGCTCCAACCCCACCGATATCTACCCC[TC>T]CAAGTGGATTGCCCGGCTCCGCCACATCAAGCGGCTCCGCCAGCGGGTAGGGAATATGGG-3'

ClinVar aggregate classification (germline): Pathogenic. Review status: criteria provided, multiple submitters, no conflicts (2 of 4 stars). 2 submissions from 2 submitters: Pathogenic (2). Last evaluated 2022-06-12.

Conditions:
Tuberous sclerosis 2 (TSC2). Identifiers: Orphanet 805, MedGen C1860707, MONDO:0013199, OMIM 613254.

Submissions (2):

Labcorp Genetics (formerly Invitae), Labcorp
Classification: Pathogenic for Tuberous sclerosis 2. Last evaluated: 2022-06-12. Review status: criteria provided, single submitter. Criteria: Invitae Variant Classification Sherloc (09022015). Collection method: clinical testing. Allele origin: germline.
Comment: This sequence change results in a frameshift in the TSC2 gene (p.Lys1739Serfs*87). While this is not anticipated to result in nonsense mediated decay, it is expected to disrupt the last 69 amino acid(s) of the TSC2 protein and extend the protein by 17 additional amino acid residues. This variant is not present in population databases (gnomAD no frequency). For these reasons, this variant has been classified as Pathogenic. This variant disrupts a region of the TSC2 protein in which other variant(s) (p.Arg1743Gln) have been determined to be pathogenic (PMID: 10732801, 16114042, 18854862, 20165957, 21309039). This suggests that this is a clinically significant region of the protein, and that variants that disrupt it are likely to be disease-causing. ClinVar contains an entry for this variant (Variation ID: 419391). This variant has not been reported in the literature in individuals affected with TSC2-related conditions.

GeneDx
Classification: Pathogenic. Last evaluated: 2015-07-13. Review status: criteria provided, single submitter. Criteria: GeneDx Variant Classification (06012015). Collection method: clinical testing. Allele origin: germline. Affected: yes.
Comment: The c.5214delC deletion in the TSC2 gene causes a frameshift starting with codon Lysine 1739, changesthis amino acid to a Serine residue and creates a premature Stop codon at position 87 of the new readingframe, denoted p.Lys1739SerfsX87. It was not observed in approximately 6,500 individuals of Europeanand African American ancestry in the NHLBI Exome Sequencing Project, indicating it is not a commonbenign variant in these populations. This variant is predicted to cause loss of normal protein function asthe last 69 amino acids of the protein are replaced by 86 aberrant residues. Although this variant has notbeen previously reported to our knowledge, we interpret it as pathogenic.

Literature cited by the submitters: PubMed 10732801 (cited by Labcorp Genetics (formerly Invitae), Labcorp); PubMed 16114042 (cited by Labcorp Genetics (formerly Invitae), Labcorp); PubMed 18854862 (cited by Labcorp Genetics (formerly Invitae), Labcorp); PubMed 20165957 (cited by Labcorp Genetics (formerly Invitae), Labcorp); PubMed 21309039 (cited by Labcorp Genetics (formerly Invitae), Labcorp).